The following is an entry in ClinVar:

NM_133636.5(HELQ):c.2355G>A (p.Gln785=)

Gene: HELQ (helicase, POLQ like; minus strand). Cytogenetic location: 4q21.23.
Variant type: single nucleotide variant.
Coding change: c.2355G>A on transcript NM_133636.5 (MANE Select); coding-DNA position 2355, G replaced by A.
Protein change: p.Gln785=; no amino-acid change (glutamine 785 retained).
Molecular consequence: synonymous variant.
Genome position (GRCh38, 1-based): chr4:83,429,687, C>T on the plus strand (G>A on the coding strand, the complement: HELQ is on the minus strand). VCF-style: chr4-83429687-C-T. GRCh37 (hg19) VCF-style: chr4-84350840-C-T.
Other names: c.2154G>A, p.Gln718= (NM_001297755.2); c.864G>A, p.Gln288= (NM_001297756.2); c.723G>A, p.Gln241= (NM_001297757.2).
Identifiers: ClinVar variation 3045631 (VCV003045631.2), dbSNP rs115975794, ClinGen allele CA2989495.
Genomic context (GRCh38, chr4:83,429,687, plus strand): 5'-GTATCTAAGTGATTCAACAGTTATTTCCCAGAGACTTTTTTCTTTCAATAAAACCTTTTG[C>T]TGAACACCAAAAAATGTACCATTCATGAAATGATAGATGTCATCAAGATTCGTTGCAATC-3'
Protein context (NP_598375.3, residues 775-795): HFMNGTFFGV[Gln785=]QKVLLKEKSL

ClinVar aggregate classification (germline): Benign (0 of 4 stars; one submission).

Conditions:
HELQ-related disorder. Also called: HELQ-related condition.

Allele frequency attached by ClinVar (database versions not stated): gnomAD exomes 0.00022; ExAC 0.00080; ESP Exome Variant Server 0.00223; gnomAD 0.00288; TOPMed 0.00305; 1000 Genomes Project 0.00519; 1000 Genomes Project 30x 0.00625.
gnomAD v4.1: 764 of 1,613,302 alleles (0.047%); highest among the groups gnomAD compares: African/African-American, 0.91%; 5 homozygotes.

Submission:

PreventionGenetics, part of Exact Sciences
Classification: Benign for HELQ-related condition. Last evaluated: 2019-04-09. Review status: no assertion criteria provided. Collection method: clinical testing. Allele origin: germline.
Comment: This variant is classified as benign based on ACMG/AMP sequence variant interpretation guidelines (Richards et al. 2015 PMID: 25741868, with internal and published modifications).